The following is an entry in ClinVar:

NC_012920.1(MT-ND4):m.11144A>T

Gene: MT-ND4 (mitochondrially encoded NADH dehydrogenase 4; plus strand).
Variant type: single nucleotide variant.
Genome position: chrM-11144-A-T.
Identifiers: ClinVar variation 693346 (VCV000693346.1), dbSNP rs1603223129, ClinGen allele CA414809561.

ClinVar aggregate classification (germline): Uncertain significance (1 of 4 stars; one submission).

Conditions:
Leigh syndrome (NULS). Also called: Leigh's necrotizing encephalopathy; Leigh's disease; Leigh Syndrome (mtDNA deletion); Leigh Disease; Subacute necrotizing encephalopathy; Necrotizing encephalopathy infantile subacute of Leigh. Identifiers: Orphanet 506, MedGen C2931891, MONDO:0009723, OMIM 256000.

Submission:

Wong Mito Lab, Molecular and Human Genetics, Baylor College of Medicine
Classification: Uncertain significance for Leigh syndrome. Last evaluated: 2019-10-17. Review status: criteria provided, single submitter. Criteria: Modified ACMG Guidelines (Unpublished). Collection method: clinical testing. Allele origin: germline.
Comment: The NC_012920.1:m.11144A>T (YP_003024035.1:p.Thr129Ser) variant in MTND4 gene is interpretated to be a Uncertain Significance variant based on the modified ACMG guidelines (unpublished). This variant meets the following evidence codes: PP3